The following is an entry in ClinVar:

NM_024577.4(SH3TC2):c.2348C>T (p.Ala783Val)

Gene: SH3TC2 (SH3 domain and tetratricopeptide repeats 2; minus strand). Cytogenetic location: 5q32.
Variant type: single nucleotide variant.
Coding change: c.2348C>T on transcript NM_024577.4 (MANE Select); coding-DNA position 2348, C replaced by T.
Protein change: p.Ala783Val; replaces alanine 783 with valine.
Molecular consequence: missense variant.
Genome position (GRCh38, 1-based): chr5:149,027,384, G>A on the plus strand (C>T on the coding strand, the complement: SH3TC2 is on the minus strand). VCF-style: chr5-149027384-G-A. GRCh37 (hg19) VCF-style: chr5-148406947-G-A.
Other names: short protein forms A783V.
Identifiers: ClinVar variation 407263 (VCV000407263.19), dbSNP rs377372640, ClinGen allele CA3499018.
Genomic context (GRCh38, chr5:149,027,384, plus strand): 5'-GCCAGGCAGAGAGAAGACTCAAAGGATTCCTGCTCACCCAGCAGCTGCCCTAGCACCAAG[G>A]CCTGGCTCAGGTAGTGGATGGCACCGTCAGGAGACCTGTGCTCGAGGTACACTTTGGAAA-3'
Protein context (NP_078853.2, residues 773-793): PDGAIHYLSQ[Ala783Val]LVLGQLLGEQ

ClinVar aggregate classification (germline): Uncertain significance. Review status: criteria provided, multiple submitters, no conflicts (2 of 4 stars). 6 submissions from 6 submitters: Uncertain significance (6). Last evaluated 2026-04-23.

Conditions:
SH3TC2-related disorder. Also called: SH3TC2-related disorders; SH3TC2-related condition. Identifiers: MedGen CN239303.
Charcot-Marie-Tooth disease type 4C (CMT4C). Also called: CHARCOT-MARIE-TOOTH DISEASE, DEMYELINATING, TYPE 4C; Charcot-Marie-Tooth Neuropathy Type 4C (CMT4C); SH3TC2-Related Hereditary Motor and Sensory Neuropathy; CHARCOT-MARIE-TOOTH DISEASE, DEMYELINATING, AUTOSOMAL RECESSIVE, TYPE 4C; CMT 4C. Identifiers: Orphanet 99949, MedGen C1866636, MONDO:0011113, OMIM 601596.
Susceptibility to mononeuropathy of the median nerve, mild. Also called: CARPAL TUNNEL SYNDROME, SUSCEPTIBILITY TO. Identifiers: MedGen C3150596, MONDO:0013237, OMIM 613353.
Charcot-Marie-Tooth disease type 4. Also called: Charcot-Marie-Tooth disease, type IV; Charcot-Marie-Tooth, Type 4. Identifiers: Orphanet 64749, MedGen C4082197, MONDO:0018995.

Allele frequency attached by ClinVar (database versions not stated): gnomAD exomes 0.00001 and 0.00003; ExAC 0.00002; TOPMed 0.00003; gnomAD 0.00005; ESP Exome Variant Server 0.00008.
gnomAD v4.1: 24 of 1,614,016 alleles (0.0015%); highest among the groups gnomAD compares: African/African-American, 0.0027%; no homozygotes.

Submissions (6):

PreventionGenetics, part of Exact Sciences
Classification: Uncertain significance for SH3TC2-related condition. Last evaluated: 2026-04-23. Review status: criteria provided, single submitter. Criteria: ACMG Guidelines, 2015. Collection method: clinical testing. Allele origin: germline.
Comment: The SH3TC2 c.2348C>T variant is predicted to result in the amino acid substitution p.Ala783Val. To our knowledge, this variant has not been reported in the literature. This variant is reported in 0.0062% of alleles in individuals of European (Non-Finnish) descent in gnomAD. At this time, the clinical significance of this variant is uncertain due to the absence of conclusive functional and genetic evidence.

CeGaT Center for Human Genetics Tuebingen
Classification: Uncertain significance. Last evaluated: 2026-02-01. Review status: criteria provided, single submitter. Criteria: CeGaT Center For Human Genetics Tuebingen Variant Classification Criteria Version 2. Collection method: clinical testing. Allele origin: germline. Affected: yes. Observed: 1 variant allele.
Comment: SH3TC2: PM2

GeneDx
Classification: Uncertain significance. Last evaluated: 2023-03-14. Review status: criteria provided, single submitter. Criteria: GeneDx Variant Classification Process June 2021. Collection method: clinical testing. Allele origin: germline. Affected: yes.
Comment: Not observed at significant frequency in large population cohorts (gnomAD); In silico analysis supports that this missense variant has a deleterious effect on protein structure/function; Has not been previously published as pathogenic or benign to our knowledge

Labcorp Genetics (formerly Invitae), Labcorp
Classification: Uncertain significance for Charcot-Marie-Tooth disease type 4. Last evaluated: 2022-04-15. Review status: criteria provided, single submitter. Criteria: Invitae Variant Classification Sherloc (09022015). Collection method: clinical testing. Allele origin: germline.
Comment: This sequence change replaces alanine, which is neutral and non-polar, with valine, which is neutral and non-polar, at codon 783 of the SH3TC2 protein (p.Ala783Val). This variant is present in population databases (rs377372640, gnomAD 0.006%). This variant has not been reported in the literature in individuals affected with SH3TC2-related conditions. ClinVar contains an entry for this variant (Variation ID: 407263). Advanced modeling of protein sequence and biophysical properties (such as structural, functional, and spatial information, amino acid conservation, physicochemical variation, residue mobility, and thermodynamic stability) performed at Invitae indicates that this missense variant is not expected to disrupt SH3TC2 protein function. In summary, the available evidence is currently insufficient to determine the role of this variant in disease. Therefore, it has been classified as a Variant of Uncertain Significance.

Fulgent Genetics
Classification: Uncertain significance for Charcot-Marie-Tooth disease type 4C; Susceptibility to mononeuropathy of the median nerve, mild. Last evaluated: 2022-01-03. Review status: criteria provided, single submitter. Criteria: ACMG Guidelines, 2015. Collection method: clinical testing. Allele origin: unknown.

Mayo Clinic Laboratories, Mayo Clinic
Classification: Uncertain significance. Last evaluated: 2020-08-26. Review status: criteria provided, single submitter. Criteria: ACMG Guidelines, 2015. Collection method: clinical testing. Allele origin: germline. Observed: 1 variant allele.